The following is an entry in ClinVar:

ClinVar aggregate classification (germline): Conflicting classifications of pathogenicity. Review status: criteria provided, conflicting classifications (1 of 4 stars). 9 submissions from 9 submitters: Uncertain significance (5); Likely benign (3). 1 of the submissions does not count toward it. Last evaluated 2026-01-29.

Conditions:
ZNF469-related disorder. Also called: ZNF469-related condition.
Cardiovascular phenotype. Identifiers: MedGen CN230736.
Brittle cornea syndrome 1 (BCS1). Also called: Corneal fragility keratoglobus, blue sclerae AND joint hypermobility; DYSGENESIS MESODERMALIS CORNEAE ET SCLERAE; FRAGILITAS OCULI WITH JOINT HYPEREXTENSIBILITY; CORNEAL FRAGILITY, KERATOGLOBUS, BLUE SCLERAE, JOINT HYPEREXTENSIBILITY; EDS6B. Identifiers: Orphanet 90354, MedGen C0268344, MONDO:0024543, OMIM 229200.

Submissions (9):

Labcorp Genetics (formerly Invitae), Labcorp
Classification: Likely benign. Last evaluated: 2026-01-29. Review status: criteria provided, single submitter. Criteria: Invitae Variant Classification Sherloc (09022015). Collection method: clinical testing. Allele origin: germline.

Women's Health and Genetics/Laboratory Corporation of America, LabCorp
Classification: Likely benign. Last evaluated: 2025-07-30. Review status: criteria provided, single submitter. Criteria: LabCorp Variant Classification Summary - May 2015. Collection method: clinical testing. Allele origin: germline.
Comment: Variant summary: ZNF469 c.725_726delinsTT (p.Ser242Ile) results in a non-conservative amino acid change in the encoded protein sequence. Algorithms developed to predict the effect of missense changes on protein structure and function are either unavailable or do not agree on the potential impact of this missense change. The variant allele was found as a multinucleotide combination of 6-88428195-G-T and 16-88428196-C-T in the gnomADv4 database at a frequency of 0.0019 in 1550274 control chromosomes, including 6 homozygotes, and was most predominant within the South Asian subpopulation at a frequency of 0.0025. The observed variant frequency within South Asian control individuals in the gnomAD database exceeds the estimated maximal expected allele frequency for a pathogenic variant in ZNF469 causing Brittle cornea syndrome 1 phenotype. To our knowledge, no occurrence of c.725_726delinsTT in individuals affected with Brittle cornea syndrome 1 and no experimental evidence demonstrating its impact on protein function have been reported. ClinVar contains an entry for this variant (Variation ID: 287709). Based on the evidence outlined above, the variant was classified as likely benign.

Mayo Clinic Laboratories, Mayo Clinic
Classification: Uncertain significance. Last evaluated: 2025-07-29. Review status: criteria provided, single submitter. Criteria: ACMG Guidelines, 2015. Collection method: clinical testing. Allele origin: germline. Observed: 1 variant allele.
Comment: BS1

GeneDx
Classification: Uncertain significance. Last evaluated: 2024-03-29. Review status: criteria provided, single submitter. Criteria: GeneDx Variant Classification Process June 2021. Collection method: clinical testing. Allele origin: germline. Affected: yes.
Comment: Identified among a cohort of patients with keratoconus; however, it is unknown if this individual harbored an additional variant (PMID: 29228253); In silico analysis supports a deleterious effect on protein structure/function; This variant is associated with the following publications: (PMID: 29228253)

MGZ Medical Genetics Center
Classification: Uncertain significance for Brittle cornea syndrome 1. Last evaluated: 2022-02-22. Review status: criteria provided, single submitter. Criteria: ACMG Guidelines, 2015. Collection method: clinical testing. Allele origin: germline. Affected: yes. Observed: 1 variant allele.
Comment: ACMG criteria applied: PM2_SUP

Ambry Genetics
Classification: Likely benign for Cardiovascular phenotype. Last evaluated: 2021-04-20. Review status: criteria provided, single submitter. Criteria: Ambry Variant Classification Scheme 2023. Collection method: clinical testing. Allele origin: germline.

CeGaT Center for Human Genetics Tuebingen
Classification: Uncertain significance. Last evaluated: 2020-12-01. Review status: criteria provided, single submitter. Criteria: CeGaT Center For Human Genetics Tuebingen Variant Classification Criteria Version 2. Collection method: clinical testing. Allele origin: germline. Affected: yes. Observed: 3 variant alleles.

Eurofins Ntd Llc (ga)
Classification: Uncertain significance. Last evaluated: 2018-04-26. Review status: criteria provided, single submitter. Criteria: EGL ClinVar v180209 classification definitions. Collection method: clinical testing. Allele origin: germline. Observed: 1 variant allele, 1 heterozygote.

PreventionGenetics, part of Exact Sciences
Classification: Uncertain significance for ZNF469-related condition. Last evaluated: 2024-07-17. Review status: no assertion criteria provided. Collection method: clinical testing. Allele origin: germline. Not counted in ClinVar's aggregate classification.
Comment: The ZNF469 c.725_726delinsTT variant is predicted to result in an in-frame deletion and insertion. To our knowledge, this variant has not been reported in the literature or in a large population database, indicating it is rare. A different nucleotide substitution predicted to cause the same amino acid change (c.725G>T, p.Ser242Ile) was detected in one case and one control in a large cohort study of Keratoconus (Lucas et al 2017. PubMed ID: 29228253). At this time, the clinical significance of the c.725_726delinsTT (p.Ser242Ile) variant is uncertain due to the absence of conclusive functional and genetic evidence.

Literature cited by the submitters: PubMed 29228253 (cited by Mayo Clinic Laboratories, Mayo Clinic).

NM_001367624.2(ZNF469):c.725_726delinsTT (p.Ser242Ile)

Gene: ZNF469 (zinc finger protein 469; plus strand). Cytogenetic location: 16q24.2.
Variant type: Indel.
Coding change: c.725_726delinsTT on transcript NM_001367624.2 (MANE Select); coding-DNA positions 725 to 726, GC replaced by TT.
Protein change: p.Ser242Ile; replaces serine 242 with isoleucine.
Molecular consequence: missense variant.
Genome position (GRCh38, 1-based): chr16:88,428,195-88,428,196, GC replaced by TT. VCF-style: chr16-88428195-GC-TT. GRCh37 (hg19) VCF-style: chr16-88494603-GC-TT.
Other names: NM_001127464.1:c.725_726delGCinsTT; NM_001127464.1:c.725_726delinsTT; NM_001127464.2:c.725_726delinsTT; p.Ser242Ile; short protein forms S242I.
Identifiers: ClinVar variation 287709 (VCV000287709.53), dbSNP rs886043704, ClinGen allele CA10605843.